The following is an entry in ClinVar:

ClinVar aggregate classification (germline): Uncertain significance. Review status: criteria provided, multiple submitters, no conflicts (2 of 4 stars). 3 submissions from 3 submitters: Uncertain significance (3). Last evaluated 2024-07-20.

Conditions:
Long QT syndrome (LQTS). Identifiers: MedGen C0023976, MeSH D008133, MONDO:0002442. Disease mechanism: loss of function. Inheritance: Various modes of inheritance.

Allele frequency attached by ClinVar (database versions not stated): gnomAD exomes below 0.00001.

Submissions (3):

All of Us Research Program, National Institutes of Health
Classification: Uncertain significance for Long QT syndrome. Last evaluated: 2024-07-20. Review status: criteria provided, single submitter. Criteria: ACMG Guidelines, 2015. Collection method: clinical testing. Allele origin: germline. Inheritance: Autosomal dominant inheritance. Observed: 1 variant allele, 1 heterozygote.
Comment: This missense variant replaces methionine with isoleucine at codon 579 of the KCNH2 protein. Computational prediction is inconclusive regarding the impact of this variant on protein structure and function (internally defined REVEL score threshold 0.5 < inconclusive < 0.7, PMID: 27666373). To our knowledge, functional studies have not been reported for this variant. This variant has not been reported in individuals affected with KCNH2-related disorders in the literature. This variant has been identified in 1/251396 chromosomes in the general population by the Genome Aggregation Database (gnomAD). The available evidence is insufficient to determine the role of this variant in disease conclusively. Therefore, this variant is classified as a Variant of Uncertain Significance.

This study involves interpretation of variants in research participants for the purpose of population health screening. Participant phenotype was not available at the time of variant classification. Additional details can be found in publication PMID: 35346344, PMCID: PMC8962531

GeneDx
Classification: Uncertain significance. Last evaluated: 2024-07-17. Review status: criteria provided, single submitter. Criteria: GeneDx Variant Classification Process June 2021. Collection method: clinical testing. Allele origin: germline. Affected: yes.
Comment: Not observed at significant frequency in large population cohorts (gnomAD); In silico analysis indicates that this missense variant does not alter protein structure/function; Has not been previously published as pathogenic or benign to our knowledge

Labcorp Genetics (formerly Invitae), Labcorp
Classification: Uncertain significance for Long QT syndrome. Last evaluated: 2024-06-18. Review status: criteria provided, single submitter. Criteria: Invitae Variant Classification Sherloc (09022015). Collection method: clinical testing. Allele origin: germline.
Comment: This sequence change replaces methionine, which is neutral and non-polar, with isoleucine, which is neutral and non-polar, at codon 579 of the KCNH2 protein (p.Met579Ile). This variant is present in population databases (no rsID available, gnomAD 0.003%). This variant has not been reported in the literature in individuals affected with KCNH2-related conditions. ClinVar contains an entry for this variant (Variation ID: 1484165). An algorithm developed to predict the effect of missense changes on protein structure and function (PolyPhen-2) suggests that this variant is likely to be tolerated. In summary, the available evidence is currently insufficient to determine the role of this variant in disease. Therefore, it has been classified as a Variant of Uncertain Significance.

NM_000238.4(KCNH2):c.1737G>A (p.Met579Ile)

Gene: KCNH2 (potassium voltage-gated channel subfamily H member 2; minus strand). Cytogenetic location: 7q36.1.
Variant type: single nucleotide variant.
Coding change: c.1737G>A on transcript NM_000238.4 (MANE Select); coding-DNA position 1737, G replaced by A.
Protein change: p.Met579Ile; replaces methionine 579 with isoleucine.
Molecular consequence: missense variant.
Genome position (GRCh38, 1-based): chr7:150,951,656, C>T on the plus strand (G>A on the coding strand, the complement: KCNH2 is on the minus strand). VCF-style: chr7-150951656-C-T. GRCh37 (hg19) VCF-style: chr7-150648744-C-T.
Other names: c.1737G>A (NM_000238.2); c.717G>A, p.Met239Ile (NM_001204798.2, NM_172057.3); c.1449G>A, p.Met483Ile (NM_001406753.1, NM_001406756.1); c.1560G>A, p.Met520Ile (NM_001406755.1); c.1437G>A, p.Met479Ile (NM_001406757.1); c.1737G>A, p.Met579Ile (NM_172056.3); short protein forms M239I, M579I, M479I, M520I, M483I.
Identifiers: ClinVar variation 1484165 (VCV001484165.9), dbSNP rs1179659979, ClinGen allele CA369858159.